The following is an entry in ClinVar:

NM_001360016.2(G6PD):c.404A>C (p.Asn135Thr)

Gene: G6PD (glucose-6-phosphate dehydrogenase; minus strand). Cytogenetic location: Xq28.
Variant type: single nucleotide variant.
Coding change: c.404A>C on transcript NM_001360016.2 (MANE Select); coding-DNA position 404, A replaced by C.
Protein change: p.Asn135Thr; replaces asparagine 135 with threonine.
Molecular consequence: missense variant.
Genome position (GRCh38, 1-based): chrX:154,535,249, T>G on the plus strand (A>C on the coding strand, the complement: G6PD is on the minus strand). VCF-style: chrX-154535249-T-G. GRCh37 (hg19) VCF-style: chrX-153763464-T-G.
Other names: G6PD Cairo; p.Asn165Thr; c.494A>C, p.Asn165Thr (NM_000402.4); c.404A>C, p.Asn135Thr (NM_001042351.3); short protein forms N135T, N165T.
Identifiers: ClinVar variation 854215 (VCV000854215.68), dbSNP rs782322505, ClinGen allele CA10566250.

ClinVar aggregate classification (germline): Conflicting classifications of pathogenicity. Review status: criteria provided, conflicting classifications (1 of 4 stars). 11 submissions from 11 submitters: Pathogenic (9); Uncertain significance (1). 1 of the submissions does not count toward it. Last evaluated 2025-11-22.

Conditions:
Malaria, susceptibility to. Identifiers: Orphanet 673, MedGen C1970028, MONDO:0021024, OMIM 611162.
G6PD deficiency. Also called: G6PD A-. Identifiers: MedGen C2939465, MONDO:0005775.
Anemia, nonspherocytic hemolytic, due to G6PD deficiency (CNSHA1). Also called: Hemolytic anemia due to G6PD deficiency; ANEMIA, CONGENITAL, NONSPHEROCYTIC HEMOLYTIC, 1; Class I glucose-6-phosphate dehydrogenase deficiency; Favism, susceptibility to. Identifiers: Orphanet 466026, MedGen C2720289, MONDO:0010480, OMIM 300908.

Allele frequency attached by ClinVar (database versions not stated): gnomAD exomes below 0.00001; ExAC 0.00001; gnomAD 0.00001.

Submissions (11):

Labcorp Genetics (formerly Invitae), Labcorp
Classification: Pathogenic for Anemia, nonspherocytic hemolytic, due to G6PD deficiency. Last evaluated: 2025-11-22. Review status: criteria provided, single submitter. Criteria: Invitae Variant Classification Sherloc (09022015). Collection method: clinical testing. Allele origin: germline.
Comment: This sequence change replaces asparagine, which is neutral and polar, with threonine, which is neutral and polar, at codon 135 of the G6PD protein (p.Asn135Thr). This variant is not present in population databases (gnomAD no frequency). This missense change has been observed in individual(s) with glucose-6-phosphate dehydrogenase deficiency (PMID: 22906837, 27519946). This variant is also known as G6PD Cairo. ClinVar contains an entry for this variant (Variation ID: 854215). Invitae Evidence Modeling of protein sequence and biophysical properties (such as structural, functional, and spatial information, amino acid conservation, physicochemical variation, residue mobility, and thermodynamic stability) indicates that this missense variant is expected to disrupt G6PD protein function with a positive predictive value of 95%. For these reasons, this variant has been classified as Pathogenic.

Victorian Clinical Genetics Services, Murdoch Childrens Research Institute
Classification: Pathogenic for Anemia, nonspherocytic hemolytic, due to G6PD deficiency. Last evaluated: 2025-07-09. Review status: criteria provided, single submitter. Criteria: ACMG Guidelines, 2015. Collection method: clinical testing. Allele origin: germline.
Comment: This variant is classified as Pathogenic. Evidence in support of pathogenic classification: Variant is present in gnomAD (v4) <0.001 for a recessive condition 4 heterozygotes, 0 homozygotes, 1 hemizygote); This variant has strong previous evidence of pathogenicity in unrelated individuals. This variant, also referred to as G6PD Cairo, has been classified as pathogenic by multiple clinical laboratories in ClinVar and has been reported in multiple individuals with G6PD deficiency (PMIDs: 22906837, 27519946); Missense variant consistently predicted to be damaging by multiple in silico tools or highly conserved with a major amino acid change. Additional information: Variant is predicted to result in a missense amino acid change from asparagine to threonine; This variant is heterozygous; This gene is associated with X-linked recessive disease. Hemizygous males and homozygous females are commonly affected, however some heterozygous female carriers can also be affected depending on X inactivation; Variant is located in the annotated glucose-6-phosphate dehydrogenase, NAD binding domain (DECIPHER); Loss of function is a known mechanism of disease in this gene and is associated with G6PD deficient congenital nonspherocytic haemolytic anaemia 1 (MIM#300908).

Revvity Omics, Revvity
Classification: Pathogenic for Anemia, nonspherocytic hemolytic, due to G6PD deficiency. Last evaluated: 2024-11-15. Review status: criteria provided, single submitter. Criteria: ACMG Guidelines, 2015. Collection method: clinical testing. Allele origin: germline.

Blueprint Genetics
Classification: Uncertain significance. Last evaluated: 2024-09-30. Review status: criteria provided, single submitter. Criteria: ACMG Guidelines, 2015. Collection method: clinical testing. Allele origin: germline.

Women's Health and Genetics/Laboratory Corporation of America, LabCorp
Classification: Pathogenic for G6PD deficiency. Last evaluated: 2024-09-13. Review status: criteria provided, single submitter. Criteria: LabCorp Variant Classification Summary - May 2015. Collection method: clinical testing. Allele origin: germline.
Comment: Variant summary: G6PD c.494A>C (p.Asn165Thr), corresponding to c.404A>C (p.Asn135Thr) in NM_001042351 and also referred to as G6PD Cairo, results in a non-conservative amino acid change located in the Glucose-6-phosphate dehydrogenase, NAD-binding domain (IPR022674) of the encoded protein sequence. Five of five in-silico tools predict a damaging effect of the variant on protein function. The variant was absent in 183369 control chromosomes. c.494A>C has been reported in the literature in multiple individuals affected with Glucose 6 Phosphate Dehydrogenase Deficiency (e.g. Sirdah_2012, Al-Sweedan_2012). These data indicate that the variant is very likely to be associated with disease. The following publications have been ascertained in the context of this evaluation (PMID: 22770933, 22906837). ClinVar contains an entry for this variant (Variation ID: 854215). Based on the evidence outlined above, the variant was classified as pathogenic.

Baylor Genetics
Classification: Pathogenic for Malaria, susceptibility to. Last evaluated: 2024-03-16. Review status: criteria provided, single submitter. Criteria: ACMG Guidelines, 2015. Collection method: clinical testing. Allele origin: unknown.

ARUP Laboratories, Molecular Genetics and Genomics, ARUP Laboratories
Classification: Pathogenic. Last evaluated: 2023-11-21. Review status: criteria provided, single submitter. Criteria: ARUP Molecular Germline Variant Investigation Process 2024. Collection method: clinical testing. Allele origin: germline.
Comment: The G6PD c.404A>C; p.Asn135Thr variant (rs782322505), also known as c.494A>C; p.Asn165Thr (NM_000402.4) and G6PD Cairo, is reported in the literature in several children with acute hemolytic anemia induced by favism; all affected children demonstrated hyperbilirubinemia and were deficient for G6PD enzyme activity (Al-Sweedan 2012, Beutler 2002, Doss 2016, Reading 2016, Sirdah 2017). This variant is reported in ClinVar (Variation ID: 854215) and is absent from the Genome Aggregation Database (v2.1.1), indicating it is not a common polymorphism. Computational analyses predict that this variant is deleterious (REVEL: 0.887). Based on available information, this variant is considered to be pathogenic. References: Al-Sweedan SA et al. Molecular characterization of glucose-6-phosphate dehydrogenase deficiency among Jordanians. Acta Haematol. 2012 128:195-202. PMID: 22906837. Beutler E et al. Hematologically important mutations: glucose-6-phosphate dehydrogenase. Blood Cells Mol Dis. 2002 28:93-103. PMID: 12064901. Doss CG et al. Genetic Epidemiology of Glucose-6-Phosphate Dehydrogenase Deficiency in the Arab World. Sci Rep. 2016 6:37284. PMID: 27853304. Reading NS et al. Favism, the commonest form of severe hemolytic anemia in Palestinian children, varies in severity with three different variants of G6PD deficiency within the same community. Blood Cells Mol Dis. 2016 60:58-64. PMID: 27519946. Sirdah MM et al. Possible association of 3' UTR +357 A>G, IVS11-nt 93 T>C, c.1311 C>T polymorphism with G6PD deficiency. Hematology. 2017 22:370-374. PMID: 28059001.

CeGaT Center for Human Genetics Tuebingen
Classification: Pathogenic. Last evaluated: 2023-06-01. Review status: criteria provided, single submitter. Criteria: CeGaT Center For Human Genetics Tuebingen Variant Classification Criteria Version 2. Collection method: clinical testing. Allele origin: germline. Affected: yes. Observed: 3 variant alleles.
Comment: G6PD: PM2, PM5, PS3:Moderate, PS4:Moderate, PP1, PP4

Dunham Lab, University of Washington
Classification: Pathogenic for Anemia, nonspherocytic hemolytic, due to G6PD deficiency. Last evaluated: 2022-08-12. Review status: criteria provided, single submitter. Criteria: Bayesian ACMG Guidelines, 2018. Collection method: curation. Allele origin: unknown. Affected: yes.
Comment: Variant found in unrelated hemizygotes with deficiency, anemia, and favism (PS4_M, PP4). Decreased activity in red blood cells (4-20%) (PS3). Predicted to be damaging by SIFT and probably damaging by PolyPhen (PP3). Below expected carrier frequency in gnomAD (PM2). Reported as pathogenic by CeGaT (PP5). Post_P 0.997 (odds of pathogenicity 3155, Prior_P 0.1).

Clinical Genetics Laboratory, Skane University Hospital Lund
Classification: Pathogenic. Last evaluated: 2022-05-27. Review status: criteria provided, single submitter. Criteria: ACMG Guidelines, 2015. Collection method: clinical testing. Allele origin: germline. Affected: yes.

Breakthrough Genomics
Classification: Pathogenic for Anemia, nonspherocytic hemolytic, due to G6PD deficiency. Last evaluated: 2021-07-15. Review status: no assertion criteria provided. Collection method: clinical testing. Allele origin: germline. Affected: yes. Observed: 1 variant allele. Not counted in ClinVar's aggregate classification.

Literature cited by the submitters: PubMed 22906837 (cited by 4 submitters); PubMed 27519946 (cited by 3 submitters); PubMed 22770933 (cited by Women's Health and Genetics/Laboratory Corporation of America, LabCorp and Dunham Lab, University of Washington); PubMed 34620237 (cited by Dunham Lab, University of Washington).